The following is an entry in ClinVar:

ClinVar aggregate classification (germline): Uncertain significance. Review status: criteria provided, multiple submitters, no conflicts (2 of 4 stars). 2 submissions from 2 submitters: Uncertain significance (2). Last evaluated 2025-09-01.

Submissions (2):

Labcorp Genetics (formerly Invitae), Labcorp
Classification: Uncertain significance. Last evaluated: 2025-09-01. Review status: criteria provided, single submitter. Criteria: Invitae Variant Classification Sherloc (09022015). Collection method: clinical testing. Allele origin: germline.
Comment: This sequence change replaces alanine, which is neutral and non-polar, with valine, which is neutral and non-polar, at codon 3317 of the CDH23 protein (p.Ala3317Val). This variant is not present in population databases (gnomAD no frequency). This variant has not been reported in the literature in individuals affected with CDH23-related conditions. ClinVar contains an entry for this variant (Variation ID: 3767769). Invitae Evidence Modeling of protein sequence and biophysical properties (such as structural, functional, and spatial information, amino acid conservation, physicochemical variation, residue mobility, and thermodynamic stability) has been performed for this missense variant. However, the output from this modeling did not meet the statistical confidence thresholds required to predict the impact of this variant on CDH23 protein function. In summary, the available evidence is currently insufficient to determine the role of this variant in disease. Therefore, it has been classified as a Variant of Uncertain Significance.

GeneDx
Classification: Uncertain significance. Last evaluated: 2024-09-10. Review status: criteria provided, single submitter. Criteria: GeneDx Variant Classification Process June 2021. Collection method: clinical testing. Allele origin: germline. Affected: yes.
Comment: Not observed at significant frequency in large population cohorts (gnomAD); In silico analysis indicates that this missense variant does not alter protein structure/function; Has not been previously published as pathogenic or benign to our knowledge

NM_022124.6(CDH23):c.9950C>T (p.Ala3317Val)

Gene: CDH23 (cadherin related 23; plus strand). Cytogenetic location: 10q22.1.
Variant type: single nucleotide variant.
Coding change: c.9950C>T on transcript NM_022124.6 (MANE Select); coding-DNA position 9950, C replaced by T.
Protein change: p.Ala3317Val; replaces alanine 3317 with valine.
Molecular consequence: missense variant.
Genome position (GRCh38, 1-based): chr10:71,815,163, C>T. VCF-style: chr10-71815163-C-T. GRCh37 (hg19) VCF-style: chr10-73574920-C-T.
Other names: c.3230C>T, p.Ala1077Val (NM_001171933.1); c.3125C>T, p.Ala1042Val (NM_001171934.1); c.641C>T, p.Ala214Val (NM_001171935.1); c.536C>T, p.Ala179Val (NM_001171936.1); short protein forms A1042V, A1077V, A179V, A214V, A3317V.
Identifiers: ClinVar variation 3767769 (VCV003767769.2).